The following is an entry in ClinVar:

ClinVar aggregate classification (germline): Conflicting classifications of pathogenicity. Review status: criteria provided, conflicting classifications (1 of 4 stars). 3 submissions from 3 submitters: Uncertain significance (1); Benign (1); Likely benign (1). Last evaluated 2026-01-25.

Conditions:
Spinocerebellar ataxia type 11 (SCA11). Identifiers: Orphanet 98767, MedGen C1858351, MONDO:0011464, OMIM 604432.

Allele frequency attached by ClinVar (database versions not stated): gnomAD 0.00011 and 0.00013; gnomAD exomes 0.00015; TOPMed 0.00015; ExAC 0.00016.
gnomAD v4.1: 154 of 1,614,198 alleles (0.0095%); highest among the groups gnomAD compares: Middle Eastern, 0.066%; no homozygotes.

Submissions (3):

Labcorp Genetics (formerly Invitae), Labcorp
Classification: Uncertain significance. Last evaluated: 2026-01-25. Review status: criteria provided, single submitter. Criteria: Invitae Variant Classification Sherloc (09022015). Collection method: clinical testing. Allele origin: germline.
Comment: This sequence change replaces lysine, which is basic and polar, with isoleucine, which is neutral and non-polar, at codon 367 of the TTBK2 protein (p.Lys367Ile). This variant is present in population databases (rs764753481, gnomAD 0.06%), and has an allele count higher than expected for a pathogenic variant. This variant has not been reported in the literature in individuals affected with TTBK2-related conditions. ClinVar contains an entry for this variant (Variation ID: 805613). An algorithm developed to predict the effect of missense changes on protein structure and function (PolyPhen-2) suggests that this variant is likely to be disruptive. In summary, the available evidence is currently insufficient to determine the role of this variant in disease. Therefore, it has been classified as a Variant of Uncertain Significance.

Athena Diagnostics
Classification: Likely benign. Last evaluated: 2019-01-10. Review status: criteria provided, single submitter. Criteria: Athena Diagnostics Criteria. Collection method: clinical testing. Allele origin: germline.

Illumina Laboratory Services, Illumina
Classification: Benign for Spinocerebellar ataxia type 11. Last evaluated: 2017-04-28. Review status: criteria provided, single submitter. Criteria: ICSL Variant Classification Criteria 13 December 2019. Collection method: clinical testing. Allele origin: germline.
Comment: This variant was observed as part of a predisposition screen in an ostensibly healthy population. A literature search was performed for the gene, cDNA change, and amino acid change (where applicable). Publications were found based on this search. The evidence from the literature, in combination with allele frequency data from public databases where available, was sufficient to rule this variant out of causing disease. Therefore, this variant is classified as benign.

Literature cited by the submitters: PubMed 26063658 (cited by Illumina Laboratory Services, Illumina).

NM_173500.4(TTBK2):c.1100A>T (p.Lys367Ile)

Gene: TTBK2 (tau tubulin kinase 2; minus strand). Cytogenetic location: 15q15.2.
Variant type: single nucleotide variant.
Coding change: c.1100A>T on transcript NM_173500.4 (MANE Select); coding-DNA position 1100, A replaced by T.
Protein change: p.Lys367Ile; replaces lysine 367 with isoleucine.
Molecular consequence: missense variant.
Genome position (GRCh38, 1-based): chr15:42,783,516, T>A on the plus strand (A>T on the coding strand, the complement: TTBK2 is on the minus strand). VCF-style: chr15-42783516-T-A. GRCh37 (hg19) VCF-style: chr15-43075714-T-A.
Other names: short protein forms K367I.
Identifiers: ClinVar variation 805613 (VCV000805613.11), dbSNP rs764753481, ClinGen allele CA7516970.